The following is an entry in ClinVar:

ClinVar aggregate classification (germline): Uncertain significance (1 of 4 stars; one submission).

Allele frequency attached by ClinVar (database versions not stated): gnomAD 0.00001.
gnomAD v4.1: 30 of 1,324,836 alleles (0.0023%); highest among the groups gnomAD compares: East Asian, 0.033%; no homozygotes.

Submission:

Labcorp Genetics (formerly Invitae), Labcorp
Classification: Uncertain significance. Last evaluated: 2024-10-28. Review status: criteria provided, single submitter. Criteria: Invitae Variant Classification Sherloc (09022015). Collection method: clinical testing. Allele origin: germline.
Comment: This sequence change replaces arginine, which is basic and polar, with leucine, which is neutral and non-polar, at codon 3 of the GTPBP3 protein (p.Arg3Leu). This variant is present in population databases (no rsID available, gnomAD 0.06%). This missense change has been observed in individuals with clinical features of GTPBP3-related conditions (PMID: 25434004, 28429146, 33658040). ClinVar contains an entry for this variant (Variation ID: 1510774). An algorithm developed to predict the effect of missense changes on protein structure and function (PolyPhen-2) suggests that this variant is likely to be disruptive. Experimental studies have shown that this missense change affects GTPBP3 function (PMID: 33619562). In summary, the available evidence is currently insufficient to determine the role of this variant in disease. Therefore, it has been classified as a Variant of Uncertain Significance.

Literature cited by the submitters: PubMed 25434004; PubMed 28429146; PubMed 33658040; PubMed 33619562.

NM_032620.4(GTPBP3):c.8G>T (p.Arg3Leu)

Gene: GTPBP3 (GTP binding protein 3, mitochondrial; plus strand). Cytogenetic location: 19p13.11.
Variant type: single nucleotide variant.
Coding change: c.8G>T on transcript NM_032620.4 (MANE Select); coding-DNA position 8, G replaced by T.
Protein change: p.Arg3Leu; replaces arginine 3 with leucine.
Molecular consequence: missense variant. On other transcripts: intron variant (1).
Genome position (GRCh38, 1-based): chr19:17,337,619, G>T. VCF-style: chr19-17337619-G-T. GRCh37 (hg19) VCF-style: chr19-17448428-G-T.
Other names: c.8G>T, p.Arg3Leu (NM_001128855.3, NM_133644.4); c.120-389G>T (NM_001195422.1); short protein forms R3L.
Identifiers: ClinVar variation 1510774 (VCV001510774.8), dbSNP rs1057518138, ClinGen allele CA404730351.